The following is an entry in ClinVar:

NM_001382273.1(TNK2):c.1461G>A (p.Leu487=)

Gene: TNK2 (tyrosine kinase non receptor 2; minus strand). Cytogenetic location: 3q29.
Variant type: single nucleotide variant.
Coding change: c.1461G>A on transcript NM_001382273.1 (MANE Select); coding-DNA position 1461, G replaced by A.
Protein change: p.Leu487=; no amino-acid change (leucine 487 retained).
Molecular consequence: synonymous variant. On other transcripts: non-coding transcript variant (15).
Genome position (GRCh38, 1-based): chr3:195,870,196, C>T on the plus strand (G>A on the coding strand, the complement: TNK2 is on the minus strand). VCF-style: chr3-195870196-C-T. GRCh37 (hg19) VCF-style: chr3-195597067-C-T.
Other names: c.1533G>A, p.Leu511= (NM_001010938.2, NM_001382272.1, NM_001387708.1 and 1 more transcripts); c.1557G>A, p.Leu519= (NM_001308046.2, NM_001382271.1, NM_001382275.1 and 1 more transcripts); c.1461G>A, p.Leu487= (NM_001382274.1, NM_001386164.1, NM_001387709.1 and 12 more transcripts).
Identifiers: ClinVar variation 2045174 (VCV002045174.6), dbSNP rs565696393, ClinGen allele CA2776345.
Genomic context (GRCh38, chr3:195,870,196, plus strand): 5'-GGGGGGCCGGGAGGTGCTCAGTTCCACGCTCAGGAGGTCGGGGGGGTCCATGGGGTTTCC[C>T]AGATACAGTCTGTGGGGGAGAGAGCTGGGTCAAGAGAGCAGGGGAAGCGTGTGGAGGGGT-3'
Protein context (NP_001369202.1, residues 477-497): GFPDRIDELY[Leu487=]GNPMDPPDLL

ClinVar aggregate classification (germline): Benign/Likely benign. Review status: criteria provided, multiple submitters, no conflicts (2 of 4 stars). 2 submissions from 2 submitters: Benign (1); Likely benign (1). Last evaluated 2026-04-01.

Allele frequency attached by ClinVar (database versions not stated): gnomAD 0.00010; 1000 Genomes Project 30x 0.00031; 1000 Genomes Project 0.00040.
gnomAD v4.1: 359 of 1,579,686 alleles (0.023%); highest among the groups gnomAD compares: South Asian, 0.26%; 6 homozygotes.

Submissions (2):

CeGaT Center for Human Genetics Tuebingen
Classification: Likely benign. Last evaluated: 2026-04-01. Review status: criteria provided, single submitter. Criteria: CeGaT Center For Human Genetics Tuebingen Variant Classification Criteria Version 2. Collection method: clinical testing. Allele origin: germline. Affected: yes. Observed: 1 variant allele.
Comment: TNK2: BP4

Labcorp Genetics (formerly Invitae), Labcorp
Classification: Benign. Last evaluated: 2025-03-06. Review status: criteria provided, single submitter. Criteria: Invitae Variant Classification Sherloc (09022015). Collection method: clinical testing. Allele origin: germline.